The following is an entry in ClinVar:

ClinVar aggregate classification (germline): Conflicting classifications of pathogenicity. Review status: criteria provided, conflicting classifications (1 of 4 stars). 3 submissions from 3 submitters: Uncertain significance (2); Likely benign (1). Last evaluated 2024-10-19.

Conditions:
Retinal dystrophy. Also called: Inherited retinal dystrophy. Identifiers: Orphanet 71862, MedGen C0854723, MeSH D058499, MONDO:0019118, HP:0000556.
RP1L1-related disorder. Also called: RP1L1-related condition.

Allele frequency attached by ClinVar (database versions not stated): TOPMed 0.00001; gnomAD 0.00003; ExAC 0.00006; gnomAD exomes 0.00008.
gnomAD v4.1: 113 of 1,613,794 alleles (0.007%); highest among the groups gnomAD compares: East Asian, 0.25%; 1 homozygote.

Submissions (3):

PreventionGenetics, part of Exact Sciences
Classification: Uncertain significance for RP1L1-related condition. Last evaluated: 2024-10-19. Review status: criteria provided, single submitter. Criteria: ACMG Guidelines, 2015. Collection method: clinical testing. Allele origin: germline.
Comment: The RP1L1 c.994G>A variant is predicted to result in the amino acid substitution p.Val332Ile. To our knowledge, this variant has not been reported in the literature. This variant is reported in 0.061% of alleles in individuals of East Asian descent in gnomAD. Although we suspect that this variant may be benign, at this time, the clinical significance of this variant is uncertain due to the absence of conclusive functional and genetic evidence.

Dept Of Ophthalmology, Nagoya University
Classification: Likely benign for Retinal dystrophy. Last evaluated: 2023-10-01. Review status: criteria provided, single submitter. Criteria: Submitter's publication. Collection method: research. Allele origin: germline. Affected: yes.

Blueprint Genetics
Classification: Uncertain significance. Last evaluated: 2023-09-25. Review status: criteria provided, single submitter. Criteria: ACMG Guidelines, 2015. Collection method: clinical testing. Allele origin: germline.

NM_178857.6(RP1L1):c.994G>A (p.Val332Ile)

Gene: RP1L1 (RP1 like 1). Cytogenetic location: 8p23.1.
Variant type: single nucleotide variant.
Coding change: c.994G>A on transcript NM_178857.6 (MANE Select); coding-DNA position 994, G replaced by A.
Protein change: p.Val332Ile; replaces valine 332 with isoleucine.
Molecular consequence: missense variant.
Genome position (GRCh38, 1-based): chr8:10,613,104, C>T on the plus strand (G>A on the coding strand, the complement: RP1L1 is on the minus strand). VCF-style: chr8-10613104-C-T. GRCh37 (hg19) VCF-style: chr8-10470614-C-T.
Other names: c.994G>A (NM_178857.5); short protein forms V332I.
Identifiers: ClinVar variation 3028056 (VCV003028056.3), dbSNP rs779204018, ClinGen allele CA4625362.